The following is an entry in ClinVar:

ClinVar aggregate classification (germline): Uncertain significance (1 of 4 stars; one submission).

Conditions:
Nemaline myopathy 5 (NEM5A). Also called: NEMALINE MYOPATHY 5A, AUTOSOMAL RECESSIVE, SEVERE INFANTILE; Nemaline myopathy 5, Amish type; NEMALINE MYOPATHY, AMISH TYPE. Identifiers: Orphanet 98902, MedGen C1854380, MONDO:0011539, OMIM 605355.

Submission:

Labcorp Genetics (formerly Invitae), Labcorp
Classification: Uncertain significance for Nemaline myopathy 5. Last evaluated: 2021-05-30. Review status: criteria provided, single submitter. Criteria: Invitae Variant Classification Sherloc (09022015). Collection method: clinical testing. Allele origin: germline.
Comment: In summary, the available evidence is currently insufficient to determine the role of this variant in disease. Therefore, it has been classified as a Variant of Uncertain Significance. Algorithms developed to predict the effect of sequence changes on RNA splicing suggest that this variant may create or strengthen a splice site, but this prediction has not been confirmed by published transcriptional studies. Algorithms developed to predict the effect of missense changes on protein structure and function are either unavailable or do not agree on the potential impact of this missense change (SIFT: "Tolerated"; PolyPhen-2: "Not Available"; Align-GVGD: "Class C0"). This variant has not been reported in the literature in individuals with TNNT1-related conditions. The frequency data for this variant in the population databases is considered unreliable, as metrics indicate insufficient coverage at this position in the ExAC database. This sequence change replaces glutamic acid with valine at codon 30 of the TNNT1 protein (p.Glu30Val). The glutamic acid residue is moderately conserved and there is a moderate physicochemical difference between glutamic acid and valine.

NM_003283.6(TNNT1):c.89A>T (p.Glu30Val)

Gene: TNNT1 (troponin T1, slow skeletal type; minus strand). Cytogenetic location: 19q13.42.
Variant type: single nucleotide variant.
Coding change: c.89A>T on transcript NM_003283.6 (MANE Select); coding-DNA position 89, A replaced by T.
Protein change: p.Glu30Val; replaces glutamic acid 30 with valine.
Molecular consequence: missense variant. On other transcripts: intron variant (2).
Genome position (GRCh38, 1-based): chr19:55,146,451, T>A on the plus strand (A>T on the coding strand, the complement: TNNT1 is on the minus strand). VCF-style: chr19-55146451-T-A. GRCh37 (hg19) VCF-style: chr19-55657819-T-A.
Other names: c.89A>T, p.Glu30Val (NM_001126132.3); c.73+230A>T (NM_001126133.3, NM_001291774.2); short protein forms E30V.
Identifiers: ClinVar variation 1398228 (VCV001398228.7), dbSNP rs2147267125, ClinGen allele CA407438309.